The following is an entry in ClinVar:

NM_001013838.3(CARMIL2):c.787C>T (p.Arg263Ter)

Gene: CARMIL2 (capping protein regulator and myosin 1 linker 2; plus strand). Cytogenetic location: 16q22.1.
Variant type: single nucleotide variant.
Coding change: c.787C>T on transcript NM_001013838.3 (MANE Select); coding-DNA position 787, C replaced by T.
Protein change: p.Arg263Ter; replaces arginine 263 with a stop codon.
Molecular consequence: nonsense.
Genome position (GRCh38, 1-based): chr16:67,647,518, C>T. VCF-style: chr16-67647518-C-T. GRCh37 (hg19) VCF-style: chr16-67681421-C-T.
Other names: c.787C>T, p.Arg263Ter (NM_001317026.3); short protein forms R263*.
Identifiers: ClinVar variation 2846633 (VCV002846633.3), dbSNP rs761026871, ClinGen allele CA396332877.

ClinVar aggregate classification (germline): Pathogenic (1 of 4 stars; one submission).

Submission:

Labcorp Genetics (formerly Invitae), Labcorp
Classification: Pathogenic. Last evaluated: 2023-03-17. Review status: criteria provided, single submitter. Criteria: Invitae Variant Classification Sherloc (09022015). Collection method: clinical testing. Allele origin: germline.
Comment: For these reasons, this variant has been classified as Pathogenic. Algorithms developed to predict the effect of sequence changes on RNA splicing suggest that this variant may create or strengthen a splice site. This variant has not been reported in the literature in individuals affected with CARMIL2-related conditions. This variant is not present in population databases (gnomAD no frequency). This sequence change creates a premature translational stop signal (p.Arg263*) in the CARMIL2 gene. It is expected to result in an absent or disrupted protein product. Loss-of-function variants in CARMIL2 are known to be pathogenic (PMID: 27647349, 28112205).

Literature cited by the submitters: PubMed 27647349; PubMed 28112205.